The following is an entry in ClinVar:

ClinVar aggregate classification (germline): Uncertain significance (1 of 4 stars; one submission).

Allele frequency attached by ClinVar (database versions not stated): gnomAD exomes 0.00003; ExAC 0.00004; gnomAD 0.00011; TOPMed 0.00018.

Submission:

Labcorp Genetics (formerly Invitae), Labcorp
Classification: Uncertain significance. Last evaluated: 2022-06-13. Review status: criteria provided, single submitter. Criteria: Invitae Variant Classification Sherloc (09022015). Collection method: clinical testing. Allele origin: germline.
Comment: This sequence change replaces alanine, which is neutral and non-polar, with threonine, which is neutral and polar, at codon 191 of the RGS9BP protein (p.Ala191Thr). The frequency data for this variant in the population databases is considered unreliable, as metrics indicate poor data quality at this position in the gnomAD database. This variant has not been reported in the literature in individuals affected with RGS9BP-related conditions. ClinVar contains an entry for this variant (Variation ID: 1046876). Algorithms developed to predict the effect of missense changes on protein structure and function output the following: SIFT: "Tolerated"; PolyPhen-2: "Benign"; Align-GVGD: "Class C0". The threonine amino acid residue is found in multiple mammalian species, which suggests that this missense change does not adversely affect protein function. In summary, the available evidence is currently insufficient to determine the role of this variant in disease. Therefore, it has been classified as a Variant of Uncertain Significance.

NM_207391.3(RGS9BP):c.571G>A (p.Ala191Thr)

Gene: RGS9BP (regulator of G protein signaling 9 binding protein; plus strand). Cytogenetic location: 19q13.11.
Variant type: single nucleotide variant.
Coding change: c.571G>A on transcript NM_207391.3 (MANE Select); coding-DNA position 571, G replaced by A.
Protein change: p.Ala191Thr; replaces alanine 191 with threonine.
Molecular consequence: missense variant.
Genome position (GRCh38, 1-based): chr19:32,676,834, G>A. VCF-style: chr19-32676834-G-A. GRCh37 (hg19) VCF-style: chr19-33167740-G-A.
Other names: short protein forms A191T.
Identifiers: ClinVar variation 1046876 (VCV001046876.6), dbSNP rs765184446, ClinGen allele CA9357554.